The following is an entry in ClinVar:

NM_000135.4(FANCA):c.2735C>A (p.Thr912Lys)

Gene: FANCA (FA complementation group A; minus strand). Cytogenetic location: 16q24.3.
Variant type: single nucleotide variant.
Coding change: c.2735C>A on transcript NM_000135.4 (MANE Select); coding-DNA position 2735, C replaced by A.
Protein change: p.Thr912Lys; replaces threonine 912 with lysine.
Molecular consequence: missense variant.
Genome position (GRCh38, 1-based): chr16:89,764,933, G>T on the plus strand (C>A on the coding strand, the complement: FANCA is on the minus strand). VCF-style: chr16-89764933-G-T. GRCh37 (hg19) VCF-style: chr16-89831341-G-T.
Other names: c.2735C>A, p.Thr912Lys (NM_001286167.3); c.2735C>A (NM_000135.2, NM_000135.3); short protein forms T912K.
Identifiers: ClinVar variation 1412107 (VCV001412107.8), dbSNP rs376302719, ClinGen allele CA397438117.

ClinVar aggregate classification (germline): Conflicting classifications of pathogenicity. Review status: criteria provided, conflicting classifications (1 of 4 stars). 3 submissions from 3 submitters: Uncertain significance (2); Likely benign (1). Last evaluated 2025-03-01.

Conditions:
Inborn genetic diseases. Identifiers: MedGen C0950123, MeSH D030342.
Fanconi anemia (FA). Also called: Fanconi's anemia. Identifiers: Orphanet 84, MedGen C0015625, MeSH D005199, MONDO:0019391.

gnomAD v4.1: 3 of 1,614,228 alleles (0.00019%); highest among the groups gnomAD compares: African/African-American, 0.0027%; no homozygotes.

Submissions (3):

Ambry Genetics
Classification: Likely benign for Inborn genetic diseases. Last evaluated: 2025-03-01. Review status: criteria provided, single submitter. Criteria: Ambry Variant Classification Scheme 2023. Collection method: clinical testing. Allele origin: germline.

Genetic Services Laboratory, University of Chicago
Classification: Uncertain significance. Last evaluated: 2023-04-25. Review status: criteria provided, single submitter. Criteria: ACMG Guidelines, 2015. Collection method: clinical testing. Allele origin: germline. Affected: no.
Comment: DNA sequence analysis of the FANCA gene demonstrated a sequence change, c.2735C>A, in exon 28 that results in an amino acid change, p.Thr912Lys. This sequence change does not appear to have been previously described in individuals with FANCA-related disorders. This sequence change has been described in the gnomAD database in one individual which corresponds to a population frequency of 0.0004% (dbSNP rs376302719). The p.Thr912Lys change affects a poorly conserved amino acid residue located in a domain of the FANCA protein that is not known to be functional. The p.Thr912Lys substitution appears to be benign using several in-silico pathogenicity prediction tools (SIFT, PolyPhen2, Align GVGD, REVEL). Due to insufficient evidence and the lack of functional studies, the clinical significance of the p.Thr912Lys change remains unknown at this time.

Labcorp Genetics (formerly Invitae), Labcorp
Classification: Uncertain significance for Fanconi anemia. Last evaluated: 2022-10-05. Review status: criteria provided, single submitter. Criteria: Invitae Variant Classification Sherloc (09022015). Collection method: clinical testing. Allele origin: germline.
Comment: This sequence change replaces threonine, which is neutral and polar, with lysine, which is basic and polar, at codon 912 of the FANCA protein (p.Thr912Lys). This variant is present in population databases (no rsID available, gnomAD 0.003%). This variant has not been reported in the literature in individuals affected with FANCA-related conditions. ClinVar contains an entry for this variant (Variation ID: 1412107). Advanced modeling of protein sequence and biophysical properties (such as structural, functional, and spatial information, amino acid conservation, physicochemical variation, residue mobility, and thermodynamic stability) performed at Invitae indicates that this missense variant is not expected to disrupt FANCA protein function. In summary, the available evidence is currently insufficient to determine the role of this variant in disease. Therefore, it has been classified as a Variant of Uncertain Significance.